The following is an entry in ClinVar:

NM_020937.4(FANCM):c.2470G>A (p.Gly824Ser)

Gene: FANCM (FA complementation group M; plus strand). Cytogenetic location: 14q21.2.
Variant type: single nucleotide variant.
Coding change: c.2470G>A on transcript NM_020937.4 (MANE Select); coding-DNA position 2470, G replaced by A.
Protein change: p.Gly824Ser; replaces glycine 824 with serine.
Molecular consequence: missense variant.
Genome position (GRCh38, 1-based): chr14:45,175,224, G>A. VCF-style: chr14-45175224-G-A. GRCh37 (hg19) VCF-style: chr14-45644427-G-A.
Other names: c.2392G>A, p.Gly798Ser (NM_001308133.2); c.2470G>A (NM_020937.2); short protein forms G824S, G798S.
Identifiers: ClinVar variation 1445392 (VCV001445392.9), dbSNP rs2139241694, ClinGen allele CA389597919.

ClinVar aggregate classification (germline): Conflicting classifications of pathogenicity. Review status: criteria provided, conflicting classifications (1 of 4 stars). 2 submissions from 2 submitters: Uncertain significance (1); Likely benign (1). Last evaluated 2025-05-01.

Conditions:
Inborn genetic diseases. Identifiers: MedGen C0950123, MeSH D030342.
Fanconi anemia (FA). Also called: Fanconi's anemia. Identifiers: Orphanet 84, MedGen C0015625, MeSH D005199, MONDO:0019391.

Submissions (2):

Ambry Genetics
Classification: Likely benign for Inborn genetic diseases. Last evaluated: 2025-05-01. Review status: criteria provided, single submitter. Criteria: Ambry Variant Classification Scheme 2023. Collection method: clinical testing. Allele origin: germline.

Labcorp Genetics (formerly Invitae), Labcorp
Classification: Uncertain significance for Fanconi anemia. Last evaluated: 2021-06-20. Review status: criteria provided, single submitter. Criteria: Invitae Variant Classification Sherloc (09022015). Collection method: clinical testing. Allele origin: germline.
Comment: In summary, the available evidence is currently insufficient to determine the role of this variant in disease. Therefore, it has been classified as a Variant of Uncertain Significance. Algorithms developed to predict the effect of missense changes on protein structure and function output the following: SIFT: "Tolerated"; PolyPhen-2: "Benign"; Align-GVGD: "Class C0". The serine amino acid residue is found in multiple mammalian species, suggesting that this missense change does not adversely affect protein function. These predictions have not been confirmed by published functional studies and their clinical significance is uncertain. This variant has not been reported in the literature in individuals with FANCM-related conditions. This variant is not present in population databases (ExAC no frequency). This sequence change replaces glycine with serine at codon 824 of the FANCM protein (p.Gly824Ser). The glycine residue is moderately conserved and there is a small physicochemical difference between glycine and serine.